The following is an entry in ClinVar:

NM_001110556.2(FLNA):c.6848T>G (p.Ile2283Ser)

Gene: FLNA (filamin A; minus strand). Cytogenetic location: Xq28.
Variant type: single nucleotide variant.
Coding change: c.6848T>G on transcript NM_001110556.2 (MANE Select); coding-DNA position 6848, T replaced by G.
Protein change: p.Ile2283Ser; replaces isoleucine 2283 with serine.
Molecular consequence: missense variant.
Genome position (GRCh38, 1-based): chrX:154,351,943, A>C on the plus strand (T>G on the coding strand, the complement: FLNA is on the minus strand). VCF-style: chrX-154351943-A-C. GRCh37 (hg19) VCF-style: chrX-153580311-A-C.
Other names: c.6824T>G, p.Ile2275Ser (NM_001456.4); short protein forms I2275S, I2283S.
Identifiers: ClinVar variation 2939237 (VCV002939237.3), dbSNP rs2522719651, ClinGen allele CA415186408.

ClinVar aggregate classification (germline): Uncertain significance (1 of 4 stars; one submission).

Conditions:
Oto-palato-digital syndrome, type II (OPD2). Also called: FACIOPALATOOSSEOUS SYNDROME; OPD II SYNDROME; Otopalatodigital Syndrome, Type II; Otopalatodigital Syndrome Type 2 (FLNA-OPD2). Identifiers: Orphanet 669, Orphanet 90652, MedGen C1844696, MONDO:0010571, OMIM 304120.
Heterotopia, periventricular, X-linked dominant (PVNH1). Also called: PERIVENTRICULAR NODULAR HETEROTOPIA 1; X-linked periventricular heterotopia; PERIVENTRICULAR NODULAR HETEROTOPIA 4; HETEROTOPIA, PERIVENTRICULAR, 1. Identifiers: Orphanet 2149, Orphanet 82004, MedGen C1848213, MONDO:0010233, OMIM 300049.
Frontometaphyseal dysplasia (FMD1). Identifiers: Orphanet 1826, MedGen C0265293, MONDO:0015942.
Melnick-Needles syndrome (MNS). Also called: MELNICK-NEEDLES OSTEODYSPLASTY; OSTEODYSPLASTY OF MELNICK AND NEEDLES; Melnick-Needles Syndrome (FLNA-MNS). Identifiers: Orphanet 2484, MedGen C0025237, MONDO:0010650, OMIM 309350.

Submission:

Labcorp Genetics (formerly Invitae), Labcorp
Classification: Uncertain significance for Oto-palato-digital syndrome, type II; Heterotopia, periventricular, X-linked dominant; Frontometaphyseal dysplasia; Melnick-Needles syndrome. Last evaluated: 2022-12-23. Review status: criteria provided, single submitter. Criteria: Invitae Variant Classification Sherloc (09022015). Collection method: clinical testing. Allele origin: germline.
Comment: In summary, the available evidence is currently insufficient to determine the role of this variant in disease. Therefore, it has been classified as a Variant of Uncertain Significance. Advanced modeling of protein sequence and biophysical properties (such as structural, functional, and spatial information, amino acid conservation, physicochemical variation, residue mobility, and thermodynamic stability) performed at Invitae indicates that this missense variant is not expected to disrupt FLNA protein function. This variant has not been reported in the literature in individuals affected with FLNA-related conditions. This variant is not present in population databases (gnomAD no frequency). This sequence change replaces isoleucine, which is neutral and non-polar, with serine, which is neutral and polar, at codon 2275 of the FLNA protein (p.Ile2275Ser).